The following is an entry in ClinVar:

ClinVar aggregate classification (germline): Uncertain significance. Review status: criteria provided, multiple submitters, no conflicts (2 of 4 stars). 4 submissions from 4 submitters: Uncertain significance (4). Last evaluated 2025-12-24.

Conditions:
Familial cancer of breast. Also called: Hereditary breast cancer; hereditary breast carcinoma; BREAST CANCER, FAMILIAL. Identifiers: Orphanet 227535, MedGen C0346153, MONDO:0016419, OMIM 114480. Disease mechanism: loss of function.
Ataxia-telangiectasia syndrome (AT). Also called: Cerebello-oculocutaneous telangiectasia; Immunodeficiency with ataxia telangiectasia; Ataxia-telangiectasia, complementation group D; AT, COMPLEMENTATION GROUP C; ATAXIA-TELANGIECTASIA, FRESNO VARIANT; ATAXIA-TELANGIECTASIA, COMPLEMENTATION GROUP A. Identifiers: Orphanet 100, MedGen C0004135, MONDO:0008840, OMIM 208900.
Hereditary cancer-predisposing syndrome. Also called: Neoplastic Syndromes, Hereditary; Hereditary Cancer Syndrome; Hereditary neoplastic syndrome; Tumor predisposition. Identifiers: Orphanet 140162, MedGen C0027672, MeSH D009386, MONDO:0015356.
Familial colorectal cancer type X. Identifiers: Orphanet 440437, MedGen C3896578, MONDO:0018604.

Allele frequency attached by ClinVar (database versions not stated): TOPMed below 0.00001.
gnomAD v4.1: 4 of 1,613,602 alleles (0.00025%); highest among the groups gnomAD compares: Non-Finnish European, 0.00034%; no homozygotes.

Submissions (4):

Labcorp Genetics (formerly Invitae), Labcorp
Classification: Uncertain significance for Ataxia-telangiectasia syndrome. Last evaluated: 2025-12-24. Review status: criteria provided, single submitter. Criteria: Invitae Variant Classification Sherloc (09022015). Collection method: clinical testing. Allele origin: germline.
Comment: This sequence change replaces lysine, which is basic and polar, with asparagine, which is neutral and polar, at codon 638 of the ATM protein (p.Lys638Asn). This variant is not present in population databases (gnomAD no frequency). This missense change has been observed in individual(s) with bladder urothelial cancer (PMID: 29625052). ClinVar contains an entry for this variant (Variation ID: 141445). Invitae Evidence Modeling of protein sequence and biophysical properties (such as structural, functional, and spatial information, amino acid conservation, physicochemical variation, residue mobility, and thermodynamic stability) indicates that this missense variant is not expected to disrupt ATM protein function with a negative predictive value of 95%. In summary, the available evidence is currently insufficient to determine the role of this variant in disease. Therefore, it has been classified as a Variant of Uncertain Significance.

Ambry Genetics
Classification: Uncertain significance for Hereditary cancer-predisposing syndrome. Last evaluated: 2024-03-15. Review status: criteria provided, single submitter. Criteria: Ambry Variant Classification Scheme 2023. Collection method: clinical testing. Allele origin: germline.
Comment: The p.K638N variant (also known as c.1914A>C), located in coding exon 12 of the ATM gene, results from an A to C substitution at nucleotide position 1914. The lysine at codon 638 is replaced by asparagine, an amino acid with similar properties. This amino acid position is not well conserved in available vertebrate species. In addition, this alteration is predicted to be tolerated by in silico analysis. Since supporting evidence is limited at this time, the clinical significance of this alteration remains unclear.

Color Diagnostics, LLC DBA Color Health
Classification: Uncertain significance for Hereditary cancer-predisposing syndrome. Last evaluated: 2023-03-15. Review status: criteria provided, single submitter. Criteria: ACMG Guidelines, 2015. Collection method: clinical testing. Allele origin: germline.
Comment: This missense variant replaces lysine with asparagine at codon 638 of the ATM protein. Computational prediction suggests that this variant may not impact protein structure and function (internally defined REVEL score threshold <= 0.5, PMID: 27666373). To our knowledge, functional studies have not been reported for this variant. This variant has not been reported in individuals affected with ATM-related disorders in the literature. This variant has not been identified in the general population by the Genome Aggregation Database (gnomAD). The available evidence is insufficient to determine the role of this variant in disease conclusively. Therefore, this variant is classified as a Variant of Uncertain Significance.

Department of Pathology and Laboratory Medicine, Sinai Health System
Classification: Uncertain significance for Familial colorectal cancer type X. Last evaluated: 2022-10-17. Review status: criteria provided, single submitter. Criteria: ACMG Guidelines, 2015. Collection method: clinical testing. Allele origin: germline. Affected: yes.

Literature cited by the submitters: PubMed 29625052 (cited by Labcorp Genetics (formerly Invitae), Labcorp).

NM_000051.4(ATM):c.1914A>C (p.Lys638Asn)

Gene: ATM (ATM serine/threonine kinase; plus strand). Cytogenetic location: 11q22.3.
Variant type: single nucleotide variant.
Coding change: c.1914A>C on transcript NM_000051.4 (MANE Select); coding-DNA position 1914, A replaced by C.
Protein change: p.Lys638Asn; replaces lysine 638 with asparagine.
Molecular consequence: missense variant.
Genome position (GRCh38, 1-based): chr11:108,253,829, A>C. VCF-style: chr11-108253829-A-C. GRCh37 (hg19) VCF-style: chr11-108124556-A-C.
Other names: c.1914A>C, p.Lys638Asn (NM_001351834.2); short protein forms K638N.
Identifiers: ClinVar variation 141445 (VCV000141445.21), dbSNP rs587781753, ClinGen allele CA165422.